The following is an entry in ClinVar:

ClinVar aggregate classification (germline): Uncertain significance (1 of 4 stars; one submission).

Allele frequency attached by ClinVar (database versions not stated): gnomAD exomes below 0.00001.
gnomAD v4.1: 2 of 1,611,424 alleles (0.00012%); highest among the groups gnomAD compares: Non-Finnish European, 0.00017%; no homozygotes.

Submission:

GeneDx
Classification: Uncertain significance. Last evaluated: 2023-01-11. Review status: criteria provided, single submitter. Criteria: GeneDx Variant Classification Process June 2021. Collection method: clinical testing. Allele origin: germline. Affected: yes.
Comment: Not observed at significant frequency in large population cohorts (gnomAD); In silico analysis supports that this missense variant does not alter protein structure/function; Has not been previously published as pathogenic or benign to our knowledge

NM_170606.3(KMT2C):c.1685C>T (p.Ala562Val)

Gene: KMT2C (lysine methyltransferase 2C; minus strand). Cytogenetic location: 7q36.1.
Variant type: single nucleotide variant.
Coding change: c.1685C>T on transcript NM_170606.3 (MANE Select); coding-DNA position 1685, C replaced by T.
Protein change: p.Ala562Val; replaces alanine 562 with valine.
Molecular consequence: missense variant.
Genome position (GRCh38, 1-based): chr7:152,250,903, G>A on the plus strand (C>T on the coding strand, the complement: KMT2C is on the minus strand). VCF-style: chr7-152250903-G-A. GRCh37 (hg19) VCF-style: chr7-151947988-G-A.
Other names: short protein forms A562V.
Identifiers: ClinVar variation 2572791 (VCV002572791.1), dbSNP rs2129166091, ClinGen allele CA370083977.
Genomic context (GRCh38, chr7:152,250,903, plus strand): 5'-ACATTCTTACCATCTGGAACAATTCCAGGAGTGGACTCCTGACCGTTGACATCTTTATTA[G>A]CTGCCTGCTCTGAGAATACCATTTGATCTTCAGGGCCTTCAACTTCCATTTCATTGTTAT-3'
Protein context (NP_733751.2, residues 552-572): EDQMVFSEQA[Ala562Val]NKDVNGQEST